The following is an entry in ClinVar:

ClinVar aggregate classification (germline): Pathogenic (1 of 4 stars; one submission).

Submission:

Ambry Genetics
Classification: Pathogenic. Last evaluated: 2026-09-09. Review status: criteria provided, single submitter. Criteria: Ambry Variant Classification Scheme 2023. Collection method: clinical testing. Allele origin: germline.
Comment: The c.3544_3547delACCAins12 variant, located in coding exon 4 of the MLH3 gene, results from the deletion of 4 nucleotides and insertion of 12 nucleotides causing a translational frameshift with a predicted alternate stop codon (p.T1182Lfs*3). This variant is considered to be rare based on population cohorts in the Genome Aggregation Database (gnomAD). This alteration is expected to result in loss of function by premature protein truncation or nonsense-mediated mRNA decay. As such, this alteration is interpreted as a disease-causing mutation.

NM_001040108.2(MLH3):c.3544_3547delinsCTTCATTGAATG (p.Thr1182_Lys1183delinsLeuHisTer)

Gene: MLH3 (mutL homolog 3; minus strand). Cytogenetic location: 14q24.3.
Variant type: Indel.
Coding change: c.3544_3547delinsCTTCATTGAATG on transcript NM_001040108.2 (MANE Select); coding-DNA positions 3544 to 3547, ACCA replaced by CTTCATTGAATG.
Protein change: p.Thr1182_Lys1183delinsLeuHisTer.
Molecular consequence: nonsense.
Genome position (GRCh38, 1-based): chr14:75,039,934-75,039,937, TGGT replaced by CATTCAATGAAG on the plus strand (ACCA replaced by CTTCATTGAATG on the coding strand, the reverse complement: MLH3 is on the minus strand). VCF-style: chr14-75039934-TGGT-CATTCAATGAAG. GRCh37 (hg19) VCF-style: chr14-75506637-TGGT-CATTCAATGAAG.
Other names: c.3544_3547delinsCTTCATTGAATG, p.Thr1182_Lys1183delinsLeuHisTer (NM_014381.3).
Identifiers: ClinVar variation 5024650 (VCV005024650.1).
Genomic context (GRCh38, chr14:75,039,934, plus strand): 5'-TATATATATTTATGAGATTTTGAAGTTAATCTTTTACCTGCATTGAATGAATCATTCCTT[TGGT>CATTCAATGAAG]GAAACGATAGGGATACAAGATGTTGTGAATTTTAACTGCTAAGCTCTCAGCCTGGCCACT-3'